The following is an entry in ClinVar:

ClinVar aggregate classification (germline): Benign. Review status: criteria provided, multiple submitters, no conflicts (2 of 4 stars). 9 submissions from 9 submitters: Benign (7). 2 of the submissions do not count toward it. Last evaluated 2026-01-31.

Conditions:
Sarcoglycanopathy. Identifiers: Orphanet 207052, MedGen C2936331, MONDO:0016140.
Autosomal recessive limb-girdle muscular dystrophy type 2C (LGMDR5). Also called: MUSCULAR DYSTROPHY, LIMB-GIRDLE, AUTOSOMAL RECESSIVE 5; MUSCULAR DYSTROPHY, DUCHENNE-LIKE. Identifiers: Orphanet 353, MedGen C0410173, MONDO:0009677, OMIM 253700. Disease mechanism: Affects gamma-sarcoglycan and also disrupts the integrity of the entire sarcoglycan complex..

Allele frequency attached by ClinVar (database versions not stated): gnomAD exomes 0.00086 and 0.00228; ExAC 0.00277; gnomAD 0.00904 and 0.00973; 1000 Genomes Project 0.00938; 1000 Genomes Project 30x 0.00984; ESP Exome Variant Server 0.01007; TOPMed 0.01021.
gnomAD v4.1: 2,694 of 1,613,022 alleles (0.17%); highest among the groups gnomAD compares: African/African-American, 3.1%; 39 homozygotes.

Submissions (9):

Labcorp Genetics (formerly Invitae), Labcorp
Classification: Benign for Autosomal recessive limb-girdle muscular dystrophy type 2C. Last evaluated: 2026-01-31. Review status: criteria provided, single submitter. Criteria: Invitae Variant Classification Sherloc (09022015). Collection method: clinical testing. Allele origin: germline.

Athena Diagnostics
Classification: Benign. Last evaluated: 2023-10-16. Review status: criteria provided, single submitter. Criteria: Athena Diagnostics Criteria. Collection method: clinical testing. Allele origin: unknown.

Mayo Clinic Laboratories, Mayo Clinic
Classification: Benign. Last evaluated: 2021-04-02. Review status: criteria provided, single submitter. Criteria: ACMG Guidelines, 2015. Collection method: clinical testing. Allele origin: germline. Observed: 5 variant alleles.

Illumina Laboratory Services, Illumina
Classification: Benign for Sarcoglycanopathy. Last evaluated: 2017-04-27. Review status: criteria provided, single submitter. Criteria: ICSL Variant Classification Criteria 13 December 2019. Collection method: clinical testing. Allele origin: germline.
Comment: This variant was observed as part of a predisposition screen in an ostensibly healthy population. A literature search was performed for the gene, cDNA change, and amino acid change (where applicable). No publications were found based on this search. Allele frequency data from public databases was too high to be consistent with this variant causing disease. Therefore, this variant is classified as benign.

GeneDx
Classification: Benign. Last evaluated: 2016-03-03. Review status: criteria provided, single submitter. Criteria: GeneDx Variant Classification (06012015). Collection method: clinical testing. Allele origin: germline. Affected: yes.
Comment: This variant is considered likely benign or benign based on one or more of the following criteria: it is a conservative change, it occurs at a poorly conserved position in the protein, it is predicted to be benign by multiple in silico algorithms, and/or has population frequency not consistent with disease.

Breakthrough Genomics
Classification: Benign. Review status: criteria provided, single submitter. Criteria: ACMG Guidelines, 2015. Collection method: not provided. Allele origin: germline. Inheritance: Autosomal recessive inheritance. Affected: yes.

PreventionGenetics, part of Exact Sciences
Classification: Benign. Review status: criteria provided, single submitter. Criteria: ACMG Guidelines, 2015. Collection method: clinical testing. Allele origin: germline.

Natera, Inc.
Classification: Benign for Limb-girdle muscular dystrophy type 2C. Last evaluated: 2020-09-16. Review status: no assertion criteria provided. Collection method: clinical testing. Allele origin: germline. Not counted in ClinVar's aggregate classification.

Genetic Services Laboratory, University of Chicago
Classification: Likely benign for AllHighlyPenetrant. Review status: no assertion criteria provided. Collection method: clinical testing. Allele origin: germline. Inheritance: Autosomal recessive inheritance. Not counted in ClinVar's aggregate classification.
Comment: Likely benign based on allele frequency in 1000 Genomes Project or ESP global frequency and its presence in a patient with a rare or unrelated disease phenotype. NOT Sanger confirmed.

NM_000231.3(SGCG):c.435C>T (p.Asn145=)

Gene: SGCG (sarcoglycan gamma; plus strand). Cytogenetic location: 13q12.12.
Variant type: single nucleotide variant.
Coding change: c.435C>T on transcript NM_000231.3 (MANE Select); coding-DNA position 435, C replaced by T.
Protein change: p.Asn145=; no amino-acid change (asparagine 145 retained).
Molecular consequence: synonymous variant.
Genome position (GRCh38, 1-based): chr13:23,279,408, C>T. VCF-style: chr13-23279408-C-T. GRCh37 (hg19) VCF-style: chr13-23853547-C-T.
Other names: p.Asn145=; c.489C>T, p.Asn163= (NM_001378244.1); c.435C>T, p.Asn145= (NM_001378245.1, NM_001378246.1).
Identifiers: ClinVar variation 130295 (VCV000130295.29), dbSNP rs35628352, ClinGen allele CA155180.
Genomic context (GRCh38, chr13:23,279,408, plus strand): 5'-TAATTCTTCAGGTCCCAAAATGGTAGAAGTCCAGAATCAACAGTTTCAGATCAACTCCAA[C>T]GACGGCAAGCCACTATTTACTGTAGATGAGAAGGAAGTTGTGGTTGGTACAGATAAACTT-3'
Protein context (NP_000222.2, residues 135-155): VQNQQFQINS[Asn145=]DGKPLFTVDE